The following is an entry in ClinVar:

ClinVar aggregate classification (germline): Conflicting classifications of pathogenicity. Review status: criteria provided, conflicting classifications (1 of 4 stars). 2 submissions from 2 submitters: Uncertain significance (1); Likely benign (1). Last evaluated 2022-08-22.

Conditions:
Muscular dystrophy-dystroglycanopathy (congenital with impaired intellectual development), type B, 1. Also called: MUSCULAR DYSTROPHY, CONGENITAL, POMT1-RELATED; Muscular dystrophy-dystroglycanopathy (congenital with intellectual disability), type B1. Identifiers: MedGen C5436962, MONDO:0013159, OMIM 613155.
Autosomal recessive limb-girdle muscular dystrophy type 2K. Also called: MUSCULAR DYSTROPHY-DYSTROGLYCANOPATHY (LIMB-GIRDLE), TYPE C, 1; MUSCULAR DYSTROPHY, LIMB-GIRDLE, TYPE 2K. Identifiers: Orphanet 86812, MedGen C1836373, MONDO:0012248, OMIM 609308.
Walker-Warburg congenital muscular dystrophy. Also called: Muscular dystrophy-dystroglycanopathy, type A; Walker-Warburg syndrome. Identifiers: Orphanet 899, MedGen C0265221, MONDO:0000171.

Allele frequency attached by ClinVar (database versions not stated): gnomAD 0.00003 and 0.00004; TOPMed 0.00003; ExAC 0.00005; ESP Exome Variant Server 0.00008.
gnomAD v4.1: 18 of 1,613,356 alleles (0.0011%); highest among the groups gnomAD compares: East Asian, 0.022%; no homozygotes.

Submissions (2):

Labcorp Genetics (formerly Invitae), Labcorp
Classification: Uncertain significance for Muscular dystrophy-dystroglycanopathy (congenital with impaired intellectual development), type B, 1; Walker-Warburg congenital muscular dystrophy; Autosomal recessive limb-girdle muscular dystrophy type 2K. Last evaluated: 2022-08-22. Review status: criteria provided, single submitter. Criteria: Invitae Variant Classification Sherloc (09022015). Collection method: clinical testing. Allele origin: germline.
Comment: This sequence change affects codon 517 of the POMT1 mRNA. It is a 'silent' change, meaning that it does not change the encoded amino acid sequence of the POMT1 protein. It affects a nucleotide within the consensus splice site. This variant is present in population databases (rs142211950, gnomAD 0.05%). This variant has not been reported in the literature in individuals affected with POMT1-related conditions. ClinVar contains an entry for this variant (Variation ID: 1046756). Algorithms developed to predict the effect of sequence changes on RNA splicing suggest that this variant is not likely to affect RNA splicing. In summary, the available evidence is currently insufficient to determine the role of this variant in disease. Therefore, it has been classified as a Variant of Uncertain Significance.

Blueprint Genetics
Classification: Likely benign. Last evaluated: 2022-04-18. Review status: criteria provided, single submitter. Criteria: ACMG Guidelines, 2015. Collection method: clinical testing. Allele origin: germline.

NM_001077365.2(POMT1):c.1485G>A (p.Ala495=)

Gene: POMT1 (protein O-mannosyltransferase 1; plus strand). Cytogenetic location: 9q34.13.
Variant type: single nucleotide variant.
Coding change: c.1485G>A on transcript NM_001077365.2 (MANE Select); coding-DNA position 1485, G replaced by A.
Protein change: p.Ala495=; no amino-acid change (alanine 495 retained).
Molecular consequence: synonymous variant. On other transcripts: non-coding transcript variant (10), intron variant (1).
Genome position (GRCh38, 1-based): chr9:131,518,956, G>A. VCF-style: chr9-131518956-G-A. GRCh37 (hg19) VCF-style: chr9-134394343-G-A.
Other names: c.1134G>A, p.Ala378= (NM_001374693.1, NM_001374691.1, NM_001374692.1 and 2 more transcripts); c.1095G>A, p.Ala365= (NM_001374695.1); c.1551G>A, p.Ala517= (NM_007171.4, NM_001353193.2); c.1365+419G>A (NM_001374690.1); c.1029G>A, p.Ala343= (NM_001353200.2); c.1473G>A, p.Ala491= (NM_001374689.1); c.1323G>A, p.Ala441= (NM_001077366.2, NM_001353194.2); c.1485G>A, p.Ala495= (NM_001136113.2); and 3 more.
Identifiers: ClinVar variation 1046756 (VCV001046756.5), dbSNP rs142211950, ClinGen allele CA5293712.